The following is an entry in ClinVar:

ClinVar aggregate classification (germline): Likely pathogenic (1 of 4 stars; one submission).

Conditions:
Arthrogryposis. Identifiers: MedGen C0003886, MONDO:0008779.

Submission:

Dubai Health Genomic Medicine Center, Dubai Health
Classification: Likely pathogenic for Arthrogryposis. Last evaluated: 2024-10-04. Review status: criteria provided, single submitter. Criteria: ACMG Guidelines, 2015. Collection method: research. Allele origin: germline. Affected: yes.
Comment: PVS1,PM2

NM_004826.4(ECEL1):c.1184+1G>T

Gene: ECEL1 (endothelin converting enzyme like 1; minus strand). Cytogenetic location: 2q37.1.
Variant type: single nucleotide variant.
Coding change: c.1184+1G>T on transcript NM_004826.4 (MANE Select); the canonical splice donor site of the intron after coding-DNA position 1184, G replaced by T.
Molecular consequence: splice donor variant.
Genome position (GRCh38, 1-based): chr2:232,484,471, C>A on the plus strand (G>T on the coding strand, the complement: ECEL1 is on the minus strand). VCF-style: chr2-232484471-C-A. GRCh37 (hg19) VCF-style: chr2-233349181-C-A.
Other names: c.1184+1G>T (NM_001290787.2).
Identifiers: ClinVar variation 3384057 (VCV003384057.1).